The following is an entry in ClinVar:

ClinVar aggregate classification (germline): Uncertain significance. Review status: criteria provided, multiple submitters, no conflicts (2 of 4 stars). 2 submissions from 2 submitters: Uncertain significance (2). Last evaluated 2025-12-05.

Conditions:
Tuberous sclerosis 2 (TSC2). Identifiers: Orphanet 805, MedGen C1860707, MONDO:0013199, OMIM 613254.
Hereditary cancer-predisposing syndrome. Also called: Hereditary Cancer Syndrome; Tumor predisposition; Hereditary neoplastic syndrome; Neoplastic Syndromes, Hereditary. Identifiers: Orphanet 140162, MedGen C0027672, MeSH D009386, MONDO:0015356.

Submissions (2):

Ambry Genetics
Classification: Uncertain significance for Hereditary cancer-predisposing syndrome. Last evaluated: 2025-12-05. Review status: criteria provided, single submitter. Criteria: Ambry Variant Classification Scheme 2023. Collection method: clinical testing. Allele origin: germline.
Comment: The p.K1637R variant (also known as c.4910A>G), located in coding exon 37 of the TSC2 gene, results from an A to G substitution at nucleotide position 4910. The lysine at codon 1637 is replaced by arginine, an amino acid with highly similar properties. This amino acid position is highly conserved in available vertebrate species. In addition, this alteration is predicted to be deleterious by in silico analysis. Based on the available evidence, the clinical significance of this variant remains unclear.

Labcorp Genetics (formerly Invitae), Labcorp
Classification: Uncertain significance for Tuberous sclerosis 2. Last evaluated: 2024-04-27. Review status: criteria provided, single submitter. Criteria: Invitae Variant Classification Sherloc (09022015). Collection method: clinical testing. Allele origin: germline.
Comment: This sequence change replaces lysine, which is basic and polar, with arginine, which is basic and polar, at codon 1637 of the TSC2 protein (p.Lys1637Arg). This variant is not present in population databases (gnomAD no frequency). This variant has not been reported in the literature in individuals affected with TSC2-related conditions. Advanced modeling of protein sequence and biophysical properties (such as structural, functional, and spatial information, amino acid conservation, physicochemical variation, residue mobility, and thermodynamic stability) performed at Invitae indicates that this missense variant is not expected to disrupt TSC2 protein function with a negative predictive value of 95%. In summary, the available evidence is currently insufficient to determine the role of this variant in disease. Therefore, it has been classified as a Variant of Uncertain Significance.

NM_000548.5(TSC2):c.4910A>G (p.Lys1637Arg)

Gene: TSC2 (TSC complex subunit 2; plus strand). Cytogenetic location: 16p13.3.
Variant type: single nucleotide variant.
Coding change: c.4910A>G on transcript NM_000548.5 (MANE Select); coding-DNA position 4910, A replaced by G.
Protein change: p.Lys1637Arg; replaces lysine 1637 with arginine.
Molecular consequence: missense variant. On other transcripts: non-coding transcript variant (5).
Genome position (GRCh38, 1-based): chr16:2,086,792, A>G. VCF-style: chr16-2086792-A-G. GRCh37 (hg19) VCF-style: chr16-2136793-A-G.
Other names: c.4709A>G, p.Lys1570Arg (NM_001077183.3); c.4841A>G, p.Lys1614Arg (NM_001114382.3); c.4601A>G, p.Lys1534Arg (NM_001318827.2); c.4565A>G, p.Lys1522Arg (NM_001318829.2); c.4178A>G, p.Lys1393Arg (NM_001318831.2); c.4742A>G, p.Lys1581Arg (NM_001318832.2); c.4712A>G, p.Lys1571Arg (NM_001363528.2); c.4778A>G, p.Lys1593Arg (NM_001370404.1); and 26 more; short protein forms K1123R, K1370R, K1521R, K1551R, K1570R, K1581R, K1594R, K1371R.
Identifiers: ClinVar variation 3666787 (VCV003666787.3).